The following is an entry in ClinVar:

ClinVar aggregate classification (germline): Likely benign (1 of 4 stars; one submission).

Submission:

CeGaT Center for Human Genetics Tuebingen
Classification: Likely benign. Last evaluated: 2025-05-01. Review status: criteria provided, single submitter. Criteria: CeGaT Center For Human Genetics Tuebingen Variant Classification Criteria Version 2. Collection method: clinical testing. Allele origin: germline. Affected: yes. Observed: 1 variant allele.
Comment: CPSF3: PM2:Supporting, BP4, BP7

NM_016207.4(CPSF3):c.345C>T (p.Asn115=)

Gene: CPSF3 (cleavage and polyadenylation specific factor 3; plus strand). Cytogenetic location: 2p25.1.
Variant type: single nucleotide variant.
Coding change: c.345C>T on transcript NM_016207.4 (MANE Select); coding-DNA position 345, C replaced by T.
Protein change: p.Asn115=; no amino-acid change (asparagine 115 retained).
Molecular consequence: synonymous variant. On other transcripts: intron variant (1).
Genome position (GRCh38, 1-based): chr2:9,432,514, C>T. VCF-style: chr2-9432514-C-T. GRCh37 (hg19) VCF-style: chr2-9572643-C-T.
Other names: c.234C>T, p.Asn78= (NM_001321833.2, NM_001321834.2); c.357C>T, p.Asn119= (NM_001321836.2); c.53-125C>T (NM_001321835.2).
Identifiers: ClinVar variation 3905899 (VCV003905899.10).
Genomic context (GRCh38, chr2:9,432,514, plus strand): 5'-AGGCTTTTTAAAAAATCTGACTCTTAATTGTTTTTGCTGGCATCTTTCAAAATTTAGTAA[C>T]ATATCAGCAGACGACATGCTGTATACCGAGACAGATTTGGAAGAAAGCATGGACAAAATT-3'
Protein context (NP_057291.1, residues 105-125): WLLSDYVKVS[Asn115=]ISADDMLYTE